The following is an entry in ClinVar:

ClinVar aggregate classification (germline): Uncertain significance (1 of 4 stars; one submission).

Allele frequency attached by ClinVar (database versions not stated): gnomAD exomes below 0.00001.
gnomAD v4.1: 1 of 1,207,563 alleles (0.000083%); highest among the groups gnomAD compares: Non-Finnish European, 0.00011%; no homozygotes.

Submission:

Labcorp Genetics (formerly Invitae), Labcorp
Classification: Uncertain significance. Last evaluated: 2022-10-07. Review status: criteria provided, single submitter. Criteria: Invitae Variant Classification Sherloc (09022015). Collection method: clinical testing. Allele origin: germline.
Comment: This sequence change replaces threonine, which is neutral and polar, with methionine, which is neutral and non-polar, at codon 752 of the GRIA3 protein (p.Thr752Met). This variant is not present in population databases (gnomAD no frequency). This variant has not been reported in the literature in individuals affected with GRIA3-related conditions. Advanced modeling of protein sequence and biophysical properties (such as structural, functional, and spatial information, amino acid conservation, physicochemical variation, residue mobility, and thermodynamic stability) performed at Invitae indicates that this missense variant is expected to disrupt GRIA3 protein function. In summary, the available evidence is currently insufficient to determine the role of this variant in disease. Therefore, it has been classified as a Variant of Uncertain Significance.

NM_007325.5(GRIA3):c.2255C>T (p.Thr752Met)

Gene: GRIA3 (glutamate ionotropic receptor AMPA type subunit 3; plus strand). Cytogenetic location: Xq25.
Variant type: single nucleotide variant.
Coding change: c.2255C>T on transcript NM_007325.5 (MANE Select); coding-DNA position 2255, C replaced by T.
Protein change: p.Thr752Met; replaces threonine 752 with methionine.
Molecular consequence: missense variant.
Genome position (GRCh38, 1-based): chrX:123,465,043, C>T. VCF-style: chrX-123465043-C-T. GRCh37 (hg19) VCF-style: chrX-122598894-C-T.
Other names: c.2255C>T, p.Thr752Met (NM_000828.5); short protein forms T752M.
Identifiers: ClinVar variation 1721174 (VCV001721174.5), dbSNP rs2521332225, ClinGen allele CA414265451.